The following is an entry in ClinVar:

ClinVar aggregate classification (germline): Uncertain significance (1 of 4 stars; one submission).

Allele frequency attached by ClinVar (database versions not stated): ExAC 0.00006; gnomAD 0.00006 and 0.00007; gnomAD exomes 0.00007 and 0.00013; 1000 Genomes Project 0.00020; 1000 Genomes Project 30x 0.00031; TOPMed 0.00005.
gnomAD v4.1: 154 of 1,302,806 alleles (0.012%); highest among the groups gnomAD compares: Non-Finnish European, 0.015%; no homozygotes.

Submission:

Labcorp Genetics (formerly Invitae), Labcorp
Classification: Uncertain significance. Last evaluated: 2024-01-25. Review status: criteria provided, single submitter. Criteria: Invitae Variant Classification Sherloc (09022015). Collection method: clinical testing. Allele origin: germline.
Comment: This sequence change falls in intron 14 of the ERCC6L2 gene. It does not directly change the encoded amino acid sequence of the ERCC6L2 protein. It affects a nucleotide within the consensus splice site. This variant is present in population databases (rs578204943, gnomAD 0.02%). This variant has not been reported in the literature in individuals affected with ERCC6L2-related conditions. ClinVar contains an entry for this variant (Variation ID: 1504703). Variants that disrupt the consensus splice site are a relatively common cause of aberrant splicing (PMID: 17576681, 9536098). Algorithms developed to predict the effect of sequence changes on RNA splicing suggest that this variant is not likely to affect RNA splicing. In summary, the available evidence is currently insufficient to determine the role of this variant in disease. Therefore, it has been classified as a Variant of Uncertain Significance.

Literature cited by the submitters: PubMed 17576681; PubMed 9536098.

NM_020207.7(ERCC6L2):c.2101-3T>C

Gene: ERCC6L2 (ERCC excision repair 6 like 2; plus strand). Cytogenetic location: 9q22.32.
Variant type: single nucleotide variant.
Coding change: c.2101-3T>C on transcript NM_020207.7 (MANE Select); 3 bases into the intron before coding-DNA position 2101, T replaced by C.
Molecular consequence: intron variant.
Genome position (GRCh38, 1-based): chr9:95,970,573, T>C. VCF-style: chr9-95970573-T-C. GRCh37 (hg19) VCF-style: chr9-98732855-T-C.
Other names: c.2101-3T>C (NM_001375291.1, NM_001375292.1, NM_001375294.1 and 1 more transcripts).
Identifiers: ClinVar variation 1504703 (VCV001504703.4), dbSNP rs578204943, ClinGen allele CA5139803.